The following is an entry in ClinVar:

ClinVar aggregate classification (germline): Uncertain significance (1 of 4 stars; one submission).

Conditions:
Singleton-Merten syndrome 1 (SGMRT1). Also called: Widened medullary cavities of bone, aortic calcification, abnormal dentition, and muscular weakness; Syndrome of widened medullary cavities of the metacarpals and phalanges, aortic calcification and abnormal dentition. Identifiers: Orphanet 85191, MedGen C4225427, MONDO:0024535, OMIM 182250.
Aicardi-Goutieres syndrome 7 (AGS7). Identifiers: Orphanet 51, MedGen C3888244, MONDO:0014367, OMIM 615846.

gnomAD v4.1: 1 of 1,586,620 alleles (0.000063%); highest among the groups gnomAD compares: Admixed American, 0.0017%; no homozygotes.

Submission:

Labcorp Genetics (formerly Invitae), Labcorp
Classification: Uncertain significance for Aicardi-Goutieres syndrome 7; Singleton-Merten syndrome 1. Last evaluated: 2025-05-05. Review status: criteria provided, single submitter. Criteria: Invitae Variant Classification Sherloc (09022015). Collection method: clinical testing. Allele origin: germline.
Comment: This sequence change replaces aspartic acid, which is acidic and polar, with histidine, which is basic and polar, at codon 646 of the IFIH1 protein (p.Asp646His). This variant is present in population databases (no rsID available, gnomAD 0.003%). This variant has not been reported in the literature in individuals affected with IFIH1-related conditions. ClinVar contains an entry for this variant (Variation ID: 2166268). Invitae Evidence Modeling of protein sequence and biophysical properties (such as structural, functional, and spatial information, amino acid conservation, physicochemical variation, residue mobility, and thermodynamic stability) has been performed for this missense variant. However, the output from this modeling did not meet the statistical confidence thresholds required to predict the impact of this variant on IFIH1 protein function. In summary, the available evidence is currently insufficient to determine the role of this variant in disease. Therefore, it has been classified as a Variant of Uncertain Significance.

NM_022168.4(IFIH1):c.1936G>C (p.Asp646His)

Gene: IFIH1 (interferon induced with helicase C domain 1; minus strand). Cytogenetic location: 2q24.2.
Variant type: single nucleotide variant.
Coding change: c.1936G>C on transcript NM_022168.4 (MANE Select); coding-DNA position 1936, G replaced by C.
Protein change: p.Asp646His; replaces aspartic acid 646 with histidine.
Molecular consequence: missense variant.
Genome position (GRCh38, 1-based): chr2:162,277,523, C>G on the plus strand (G>C on the coding strand, the complement: IFIH1 is on the minus strand). VCF-style: chr2-162277523-C-G. GRCh37 (hg19) VCF-style: chr2-163134033-C-G.
Other names: short protein forms D646H.
Identifiers: ClinVar variation 2166268 (VCV002166268.4), dbSNP rs556917411, ClinGen allele CA348998924.